The following is an entry in ClinVar:

ClinVar aggregate classification (germline): Conflicting classifications of pathogenicity. Review status: criteria provided, conflicting classifications (1 of 4 stars). 3 submissions from 3 submitters: Uncertain significance (2); Likely benign (1). Last evaluated 2025-10-14.

Conditions:
Inborn genetic diseases. Identifiers: MedGen C0950123, MeSH D030342.
Intellectual disability. Also called: intellectual disabilities; Intellectual developmental disorder; Intellectual functioning disability. Identifiers: MedGen C3714756, MeSH D008607, MONDO:0001071, HP:0001249.

Allele frequency attached by ClinVar (database versions not stated): gnomAD 0.00002; ExAC 0.00001; gnomAD exomes 0.00001; TOPMed 0.00002.
gnomAD v4.1: 11 of 1,613,656 alleles (0.00068%); highest among the groups gnomAD compares: Admixed American, 0.0033%; no homozygotes.

Submissions (3):

Ambry Genetics
Classification: Uncertain significance for Inborn genetic diseases. Last evaluated: 2025-10-14. Review status: criteria provided, single submitter. Criteria: Ambry Variant Classification Scheme 2023. Collection method: clinical testing. Allele origin: germline.
Comment: The c.508G>A (p.V170I) alteration is located in exon 3 (coding exon 3) of the KCNQ5 gene. This alteration results from a G to A substitution at nucleotide position 508, causing the valine (V) at amino acid position 170 to be replaced by an isoleucine (I). Based on data from gnomAD, the A allele has an overall frequency of 0.001% (3/251368) total alleles studied. The highest observed frequency was 0.016% (1/6130) of Other alleles. Based on insufficient or conflicting evidence, the clinical significance of this alteration remains unclear.

Labcorp Genetics (formerly Invitae), Labcorp
Classification: Likely benign. Last evaluated: 2023-11-28. Review status: criteria provided, single submitter. Criteria: Invitae Variant Classification Sherloc (09022015). Collection method: clinical testing. Allele origin: germline.

Diagnostic Laboratory, Strasbourg University Hospital
Classification: Uncertain significance for Intellectual disability. Last evaluated: 2020-04-20. Review status: criteria provided, single submitter. Criteria: ACMG Guidelines, 2015. Collection method: clinical testing. Allele origin: inherited. Inheritance: Autosomal dominant inheritance. Affected: yes. Observed: 1 heterozygote.

NM_019842.4(KCNQ5):c.508G>A (p.Val170Ile)

Gene: KCNQ5 (potassium voltage-gated channel subfamily Q member 5; plus strand). Cytogenetic location: 6q13.
Variant type: single nucleotide variant.
Coding change: c.508G>A on transcript NM_019842.4 (MANE Select); coding-DNA position 508, G replaced by A.
Protein change: p.Val170Ile; replaces valine 170 with isoleucine.
Molecular consequence: missense variant.
Genome position (GRCh38, 1-based): chr6:73,041,954, G>A. VCF-style: chr6-73041954-G-A. GRCh37 (hg19) VCF-style: chr6-73751677-G-A.
Other names: c.508G>A, p.Val170Ile (NM_001160130.2, NM_001160132.2, NM_001160133.2 and 1 more transcripts); short protein forms V170I.
Identifiers: ClinVar variation 978947 (VCV000978947.6), dbSNP rs771263285, ClinGen allele CA3886769.